The following is an entry in ClinVar:

ClinVar aggregate classification (germline): Uncertain significance (1 of 4 stars; one submission).

Conditions:
PLXNA2-related disorder. Also called: PLXNA2-related condition.

gnomAD v4.1: 1 of 1,614,046 alleles (0.000062%); highest among the groups gnomAD compares: African/African-American, 0.0013%; no homozygotes.

Submission:

PreventionGenetics, part of Exact Sciences
Classification: Uncertain significance for PLXNA2-related condition. Last evaluated: 2025-01-18. Review status: criteria provided, single submitter. Criteria: ACMG Guidelines, 2015. Collection method: clinical testing. Allele origin: germline.
Comment: The PLXNA2 c.4963G>A variant is predicted to result in the amino acid substitution p.Val1655Met. To our knowledge, this variant has not been reported in the literature or in a large population database (gnomAD), indicating this variant is rare. At this time, the clinical significance of this variant is uncertain due to the absence of conclusive functional and genetic evidence.

NM_025179.4(PLXNA2):c.4963G>A (p.Val1655Met)

Gene: PLXNA2 (plexin A2; minus strand). Cytogenetic location: 1q32.2.
Variant type: single nucleotide variant.
Coding change: c.4963G>A on transcript NM_025179.4 (MANE Select); coding-DNA position 4963, G replaced by A.
Protein change: p.Val1655Met; replaces valine 1655 with methionine.
Molecular consequence: missense variant.
Genome position (GRCh38, 1-based): chr1:208,033,411, C>T on the plus strand (G>A on the coding strand, the complement: PLXNA2 is on the minus strand). VCF-style: chr1-208033411-C-T. GRCh37 (hg19) VCF-style: chr1-208206756-C-T.
Other names: short protein forms V1655M.
Identifiers: ClinVar variation 4985342 (VCV004985342.1).
Genomic context (GRCh38, chr1:208,033,411, plus strand): 5'-CGGACACCATCTTGCTGCCCCGGTCACCCTCCTTCTGGTCACCGTGGTCATGGTTCTTCA[C>T]CAGATGCCACACCTTGACCCCACTTTCCAGGTCTGGGGTGATCATCGGGGCCCGGGACCG-3'
Protein context (NP_079455.3, residues 1645-1665): LESGVKVWHL[Val1655Met]KNHDHGDQKE